The following is an entry in ClinVar:

NM_000709.4(BCKDHA):c.861_868del (p.Gly288fs)

Gene: BCKDHA (branched chain keto acid dehydrogenase E1 subunit alpha; plus strand). Cytogenetic location: 19q13.2.
Variant type: Deletion.
Coding change: c.861_868del on transcript NM_000709.4 (MANE Select); coding-DNA positions 861 to 868, 8 bases deleted (AGGCCCCG; older notation c.861_868delAGGCCCCG).
Protein change: p.Gly288fs; shifts the reading frame from glycine 288.
Molecular consequence: frameshift variant.
Genome position (GRCh38, 1-based): chr19:41,422,636-41,422,643, AGGCCCCG deleted; deleting any 8 consecutive bases within chr19:41,422,634-41,422,643 gives the same sequence; the c. name uses the placement nearest the transcript's 3' end. VCF-style (leftmost placement, unchanged base first): chr19-41422633-ACGAGGCCC-A. GRCh37 (hg19) VCF-style: chr19-41928538-ACGAGGCCC-A.
Other names: c.861_868delAGGCCCCG (NM_000709.3); c.861_868del8 (NM_000709.3); c.858_865del, p.Gly287fs (NM_001164783.2); short protein forms G288fs, G287fs.
Identifiers: ClinVar variation 198433 (VCV000198433.25), dbSNP rs794727847, ClinGen allele CA275390.

ClinVar aggregate classification (germline): Pathogenic. Review status: criteria provided, multiple submitters, no conflicts (2 of 4 stars). 10 submissions from 10 submitters: Pathogenic (8). 2 of the submissions do not count toward it. Last evaluated 2026-01-03.

Conditions:
BCKDHA-related disorder. Also called: BCKDHA-related condition.
Maple syrup urine disease type 1A (MSUD1A). Also called: MSUD type 1A. Identifiers: MedGen C1855369, MONDO:0023691, OMIM 248600.
Maple syrup urine disease (MSUD). Identifiers: Orphanet 511, MedGen C0024776, MeSH D008375, MONDO:0009563. Disease mechanism: loss of function.

Submissions (10):

Labcorp Genetics (formerly Invitae), Labcorp
Classification: Pathogenic for Maple syrup urine disease. Last evaluated: 2026-01-03. Review status: criteria provided, single submitter. Criteria: Invitae Variant Classification Sherloc (09022015). Collection method: clinical testing. Allele origin: germline.
Comment: This sequence change creates a premature translational stop signal (p.Gly288Valfs*11) in the BCKDHA gene. It is expected to result in an absent or disrupted protein product. Loss-of-function variants in BCKDHA are known to be pathogenic (PMID: 16786533, 22593002). This variant is not present in population databases (gnomAD no frequency). This premature translational stop signal has been observed in individual(s) with maple syrup urine disease (PMID: 8037208, 26830710). This variant is also known as 8-bp deletion in exon 7. ClinVar contains an entry for this variant (Variation ID: 198433). For these reasons, this variant has been classified as Pathogenic.

Natera, Inc.
Classification: Pathogenic for Maple syrup urine disease type 1A. Last evaluated: 2025-07-25. Review status: criteria provided, single submitter. Criteria: Natera Variant Classification Schema (03/2026). Collection method: clinical testing. Allele origin: germline.
Comment: The c.861_868delAGGCCCCG variant in BCKDHA is a frameshift variant predicted to shift the reading frame beginning at codon 288 and leads to a stop codon 11 codons downstream. This variant is expected to result in nonsense mediated decay, truncation, or a dysfunctional protein product. This variant is rare in the general population with a frequency below the threshold expected for the associated phenotype(s). This variant has been observed in one or more individuals affected with the associated recessive disease, as either homozygous or compound heterozygous with a second variant (PMID: 21098507). Given the available evidence, this variant is classified as Pathogenic.

Baylor Genetics
Classification: Pathogenic for Maple syrup urine disease type 1A. Last evaluated: 2024-02-12. Review status: criteria provided, single submitter. Criteria: ACMG Guidelines, 2015. Collection method: clinical testing. Allele origin: unknown.

Fulgent Genetics
Classification: Pathogenic for Maple syrup urine disease type 1A. Last evaluated: 2021-11-19. Review status: criteria provided, single submitter. Criteria: ACMG Guidelines, 2015. Collection method: clinical testing. Allele origin: unknown.

Genome-Nilou Lab
Classification: Pathogenic for Maple syrup urine disease type 1A. Last evaluated: 2021-11-07. Review status: criteria provided, single submitter. Criteria: ACMG Guidelines, 2015. Collection method: clinical testing. Allele origin: germline. Affected: no.

Blueprint Genetics
Classification: Pathogenic for BCKDHA-related disorders. Last evaluated: 2021-05-21. Review status: criteria provided, single submitter. Criteria: ACMG Guidelines, 2015. Collection method: clinical testing. Allele origin: germline. Affected: yes. Observed: 1 variant allele.

Women's Health and Genetics/Laboratory Corporation of America, LabCorp
Classification: Pathogenic for Maple Syrup Urine Disease, Type IA. Last evaluated: 2020-09-28. Review status: criteria provided, single submitter. Criteria: LabCorp Variant Classification Summary - May 2015. Collection method: clinical testing. Allele origin: germline.
Comment: Variant summary: BCKDHA c.861_868delAGGCCCCG (p.Gly288ValfsX11) results in a premature termination codon, predicted to cause a truncation of the encoded protein or absence of the protein due to nonsense mediated decay, which are commonly known mechanisms for disease. Truncations downstream of this position have been classified as pathogenic by our laboratory. The variant was absent in 251376 control chromosomes. c.861_868delAGGCCCCG has been reported in the literature in individuals affected with Maple Syrup Urine Disease Type 1A and has been subsequently cited by others (example, Stojiljkovic_2016, Chuang_1994, Bell_2011, Brunetti-Pierri_2011, Hallam_2014, Umbarger_2012, Chinsky_1998, Imperlini_2016). These data indicate that the variant may be associated with disease. To our knowledge, no experimental evidence demonstrating an impact on protein function has been reported. Two clinical diagnostic laboratories have submitted clinical-significance assessments for this variant to ClinVar after 2014 without evidence for independent evaluation. All laboratories classified the variant as pathogenic citing overlapping evidence utilized in the context of this evaluation. Based on the evidence outlined above, the variant was classified as pathogenic.

Eurofins Ntd Llc (ga)
Classification: Pathogenic. Last evaluated: 2015-01-28. Review status: criteria provided, single submitter. Criteria: EGL Classification Definitions 2015. Collection method: clinical testing. Allele origin: germline. Observed: 1 variant allele, 1 homozygote.

Counsyl
Classification: Pathogenic for Maple syrup urine disease type 1A. Last evaluated: 2018-02-07. Review status: no assertion criteria provided. Collection method: clinical testing. Allele origin: unknown. Not counted in ClinVar's aggregate classification.

OMIM
Classification: Pathogenic for MAPLE SYRUP URINE DISEASE, TYPE IA. Last evaluated: 1994-08-01. Review status: no assertion criteria provided. Collection method: literature only. Allele origin: germline. Not counted in ClinVar's aggregate classification.

Literature cited by the submitters: PubMed 16786533 (cited by Labcorp Genetics (formerly Invitae), Labcorp); PubMed 22593002 (cited by Labcorp Genetics (formerly Invitae), Labcorp); PubMed 8037208 (cited by 5 submitters); PubMed 26830710 (cited by 3 submitters); PubMed 21098507 (cited by Natera, Inc. and Women's Health and Genetics/Laboratory Corporation of America, LabCorp); PubMed 21228398 (cited by Women's Health and Genetics/Laboratory Corporation of America, LabCorp); PubMed 23765052 (cited by Women's Health and Genetics/Laboratory Corporation of America, LabCorp); PubMed 24374108 (cited by Women's Health and Genetics/Laboratory Corporation of America, LabCorp); PubMed 10694918 (cited by Women's Health and Genetics/Laboratory Corporation of America, LabCorp); PubMed 27403441 (cited by Women's Health and Genetics/Laboratory Corporation of America, LabCorp).